The following is an entry in ClinVar:

ClinVar aggregate classification (germline): Pathogenic (1 of 4 stars; one submission).

Conditions:
Trichorhinophalangeal syndrome, type III (TRPS3). Also called: SUGIO-KAJII SYNDROME. Identifiers: Orphanet 77258, MedGen C1860823, OMIM 190351, MONDO:0008597.
Trichorhinophalangeal dysplasia type I (TRPS1). Also called: TRPS I; TRICHORHINOPHALANGEAL SYNDROME, TYPE I. Identifiers: Orphanet 77258, MedGen C0432233, MONDO:0008596, OMIM 190350.

Submission:

Labcorp Genetics (formerly Invitae), Labcorp
Classification: Pathogenic for Trichorhinophalangeal syndrome, type III; Trichorhinophalangeal dysplasia type I. Last evaluated: 2021-07-31. Review status: criteria provided, single submitter. Criteria: Invitae Variant Classification Sherloc (09022015). Collection method: clinical testing. Allele origin: germline.
Comment: This variant has not been reported in the literature in individuals affected with TRPS1-related conditions. For these reasons, this variant has been classified as Pathogenic. This variant is not present in population databases (ExAC no frequency). This sequence change creates a premature translational stop signal (p.Gln730*) in the TRPS1 gene. It is expected to result in an absent or disrupted protein product. Loss-of-function variants in TRPS1 are known to be pathogenic (PMID: 11112658).

Literature cited by the submitters: PubMed 11112658.

NM_014112.5(TRPS1):c.2188C>T (p.Gln730Ter)

Gene: TRPS1 (transcriptional repressor GATA binding 1; minus strand). Cytogenetic location: 8q23.3.
Variant type: single nucleotide variant.
Coding change: c.2188C>T on transcript NM_014112.5 (MANE Select); coding-DNA position 2188, C replaced by T.
Protein change: p.Gln730Ter; replaces glutamine 730 with a stop codon.
Molecular consequence: nonsense.
Genome position (GRCh38, 1-based): chr8:115,587,513, G>A on the plus strand (C>T on the coding strand, the complement: TRPS1 is on the minus strand). VCF-style: chr8-115587513-G-A. GRCh37 (hg19) VCF-style: chr8-116599740-G-A.
Other names: c.2161C>T, p.Gln721Ter (NM_001282902.3); c.2167C>T, p.Gln723Ter (NM_001282903.3); c.2149C>T, p.Gln717Ter (NM_001330599.2); short protein forms Q730*, Q717*, Q721*, Q723*.
Identifiers: ClinVar variation 1451506 (VCV001451506.6), dbSNP rs2130445833, ClinGen allele CA372065671.
Genomic context (GRCh38, chr8:115,587,513, plus strand): 5'-TGATGGTGGATATGGCATGACCGTCCTCTTCGCCGTTGGCTGTAGTGATGTCCTGTTCCT[G>A]GCAGTGAACAGTGTTGAAGTGCTCCAGTAGTGACTGAGTATCGGCAGCTGTAAAACTGCA-3'